The following is an entry in ClinVar:

ClinVar aggregate classification (germline): Uncertain significance (1 of 4 stars; one submission).

Conditions:
Cataract 1 multiple types. Also called: CATARACT, DUFFY-LINKED; CATARACT 1, POSTERIOR SUBCAPSULAR, WITH MICROCORNEA; CATARACT 1, STELLATE NUCLEAR, WITH MICROCORNEA; CATARACT 1, MULTIPLE TYPES, WITH OR WITHOUT MICROCORNEA; CATARACT 1, NUCLEAR PROGRESSIVE; CATARACT 1 WITH MICROCORNEA. Identifiers: Orphanet 1377, MedGen C1861828, MONDO:0007285, OMIM 116200.

Allele frequency attached by ClinVar (database versions not stated): gnomAD 0.00001; TOPMed 0.00001; gnomAD exomes 0.00002.

Submission:

Labcorp Genetics (formerly Invitae), Labcorp
Classification: Uncertain significance for Cataract 1 multiple types. Last evaluated: 2018-08-20. Review status: criteria provided, single submitter. Criteria: Invitae Variant Classification Sherloc (09022015). Collection method: clinical testing. Allele origin: germline.
Comment: In summary, the available evidence is currently insufficient to determine the role of this variant in disease. Therefore, it has been classified as a Variant of Uncertain Significance. Algorithms developed to predict the effect of missense changes on protein structure and function are either unavailable or do not agree on the potential impact of this missense change (SIFT: "Deleterious"; PolyPhen-2: "Benign"; Align-GVGD: "Class C0"). This variant has not been reported in the literature in individuals with GJA8-related disease. This variant is not present in population databases (ExAC no frequency). This sequence change replaces arginine with histidine at codon 106 of the GJA8 protein (p.Arg106His). The arginine residue is highly conserved and there is a small physicochemical difference between arginine and histidine.

NM_005267.5(GJA8):c.317G>A (p.Arg106His)

Gene: GJA8 (gap junction protein alpha 8; plus strand). Cytogenetic location: 1q21.2.
Variant type: single nucleotide variant.
Coding change: c.317G>A on transcript NM_005267.5 (MANE Select); coding-DNA position 317, G replaced by A.
Protein change: p.Arg106His; replaces arginine 106 with histidine.
Molecular consequence: missense variant.
Genome position (GRCh38, 1-based): chr1:147,908,272, G>A. VCF-style: chr1-147908272-G-A. GRCh37 (hg19) VCF-style: chr1-147380399-G-A.
Other names: short protein forms R106H.
Identifiers: ClinVar variation 655767 (VCV000655767.8), dbSNP rs917690151, ClinGen allele CA29940699.
Genomic context (GRCh38, chr1:147,908,272, plus strand): 5'-CCACCCCGTCCCTGATGTACGTGGGGCACGCGGTGCACTACGTCCGCATGGAGGAGAAGC[G>A]CAAAAGCCGCGAGGCGGAGGAGCTGGGCCAGCAGGCGGGGACTAACGGCGGCCCGGACCA-3'
Protein context (NP_005258.2, residues 96-116): AVHYVRMEEK[Arg106His]KSREAEELGQ